The following is an entry in ClinVar:

ClinVar aggregate classification (germline): Likely benign. Review status: criteria provided, multiple submitters, no conflicts (2 of 4 stars). 2 submissions from 2 submitters: Likely benign (2). Last evaluated 2026-06-01.

Allele frequency attached by ClinVar (database versions not stated): gnomAD 0.00003; TOPMed 0.00003; ExAC 0.00006; ESP Exome Variant Server 0.00008.
gnomAD v4.1: 46 of 1,605,762 alleles (0.0029%); highest among the groups gnomAD compares: Middle Eastern, 0.15%; no homozygotes.

Submissions (2):

CeGaT Center for Human Genetics Tuebingen
Classification: Likely benign. Last evaluated: 2026-06-01. Review status: criteria provided, single submitter. Criteria: CeGaT Center For Human Genetics Tuebingen Variant Classification Criteria Version 2. Collection method: clinical testing. Allele origin: germline. Affected: yes. Observed: 2 variant alleles.
Comment: ZBTB20: BP4, BP7

Labcorp Genetics (formerly Invitae), Labcorp
Classification: Likely benign. Last evaluated: 2025-10-11. Review status: criteria provided, single submitter. Criteria: Invitae Variant Classification Sherloc (09022015). Collection method: clinical testing. Allele origin: germline.

NM_001348800.3(ZBTB20):c.1134C>T (p.Gly378=)

Gene: ZBTB20 (zinc finger and BTB domain containing 20; minus strand). Cytogenetic location: 3q13.31.
Variant type: single nucleotide variant.
Coding change: c.1134C>T on transcript NM_001348800.3 (MANE Select); coding-DNA position 1134, C replaced by T.
Protein change: p.Gly378=; no amino-acid change (glycine 378 retained).
Molecular consequence: synonymous variant.
Genome position (GRCh38, 1-based): chr3:114,350,944, G>A on the plus strand (C>T on the coding strand, the complement: ZBTB20 is on the minus strand). VCF-style: chr3-114350944-G-A. GRCh37 (hg19) VCF-style: chr3-114069791-G-A.
Other names: c.1134C>T, p.Gly378= (NM_001164342.2, NM_001348803.3, NM_001393393.1 and 1 more transcripts); c.915C>T, p.Gly305= (NM_001164343.2, NM_001164344.4, NM_001164345.4 and 9 more transcripts).
Identifiers: ClinVar variation 2421272 (VCV002421272.24), dbSNP rs200922911, ClinGen allele CA2551351.
Genomic context (GRCh38, chr3:114,350,944, plus strand): 5'-CGCCCCAGGCCCAAACTGCTGCTCCACCGAGTCAGGCTCGGTGCCTATGGAGGAGCTGAC[G>A]CCCGAGTCGAAGCTTTCACCTTTGGGCTCACTCTCGGTGCCCTCGGCCTGGTCTGTGTCT-3'
Protein context (NP_001335729.1, residues 368-388): SEPKGESFDS[Gly378=]VSSSIGTEPD